The following is an entry in ClinVar:

NM_000038.6(APC):c.7184A>G (p.Glu2395Gly)

Gene: APC (APC regulator of Wnt signaling pathway; plus strand). Cytogenetic location: 5q22.2.
Variant type: single nucleotide variant.
Coding change: c.7184A>G on transcript NM_000038.6 (MANE Select); coding-DNA position 7184, A replaced by G.
Protein change: p.Glu2395Gly; replaces glutamic acid 2395 with glycine.
Molecular consequence: missense variant.
Genome position (GRCh38, 1-based): chr5:112,842,778, A>G. VCF-style: chr5-112842778-A-G. GRCh37 (hg19) VCF-style: chr5-112178475-A-G.
Other names: c.7184A>G (NM_000038.5); c.7184A>G, p.Glu2395Gly (NM_001127510.3, NM_001354895.2, NM_001407450.1); c.7130A>G, p.Glu2377Gly (NM_001127511.3); c.7238A>G, p.Glu2413Gly (NM_001354896.2, NM_001407447.1, NM_001407448.1 and 1 more transcripts); c.7214A>G, p.Glu2405Gly (NM_001354897.2); c.7109A>G, p.Glu2370Gly (NM_001354898.2); c.7100A>G, p.Glu2367Gly (NM_001354899.2); c.7061A>G, p.Glu2354Gly (NM_001354900.2); and 12 more; short protein forms E2294G, E2377G, E2385G, E2423G, E2011G, E2235G, E2367G, E2395G.
Identifiers: ClinVar variation 2003896 (VCV002003896.5), dbSNP rs1350058905, ClinGen allele CA16036978.
Genomic context (GRCh38, chr5:112,842,778, plus strand): 5'-AACAGAACCTTACCAAACAAACAGGTTTATCCAAGAATGCCAGTAGTATTCCAAGAAGTG[A>G]GTCTGCCTCCAAAGGACTAAATCAGATGAATAATGGTAATGGAGCCAATAAAAAGGTAGA-3'
Protein context (NP_000029.2, residues 2385-2405): SKNASSIPRS[Glu2395Gly]SASKGLNQMN

ClinVar aggregate classification (germline): Uncertain significance. Review status: criteria provided, multiple submitters, no conflicts (2 of 4 stars). 2 submissions from 2 submitters: Uncertain significance (2). Last evaluated 2026-07-06.

Conditions:
Hereditary cancer-predisposing syndrome. Also called: Hereditary neoplastic syndrome; Neoplastic Syndromes, Hereditary; Tumor predisposition; Hereditary Cancer Syndrome. Identifiers: Orphanet 140162, MedGen C0027672, MeSH D009386, MONDO:0015356.
Familial adenomatous polyposis 1 (FAP1). Also called: FAMILIAL ADENOMATOUS POLYPOSIS 1, ATTENUATED; POLYPOSIS, ADENOMATOUS INTESTINAL. Identifiers: MedGen C2713442, MONDO:0021056, OMIM 175100. Disease mechanism: loss of function.

Allele frequency attached by ClinVar (database versions not stated): gnomAD exomes below 0.00001; gnomAD 0.00001; TOPMed below 0.00001.
gnomAD v4.1: 2 of 1,613,824 alleles (0.00012%); highest among the groups gnomAD compares: Non-Finnish European, 0.00017%; no homozygotes.

Submissions (2):

Ambry Genetics
Classification: Uncertain significance for Hereditary cancer-predisposing syndrome. Last evaluated: 2026-07-06. Review status: criteria provided, single submitter. Criteria: Ambry Variant Classification Scheme 2023. Collection method: clinical testing. Allele origin: germline.
Comment: The p.E2395G variant (also known as c.7184A>G), located in coding exon 15 of the APC gene, results from an A to G substitution at nucleotide position 7184. The glutamic acid at codon 2395 is replaced by glycine, an amino acid with similar properties. This amino acid position is conserved. In addition, in silico predictors for this gene do not accurately predict pathogenicity. Based on the available evidence, the clinical significance of this variant remains unclear.

Labcorp Genetics (formerly Invitae), Labcorp
Classification: Uncertain significance for Familial adenomatous polyposis 1. Last evaluated: 2025-11-05. Review status: criteria provided, single submitter. Criteria: Invitae Variant Classification Sherloc (09022015). Collection method: clinical testing. Allele origin: germline.
Comment: This sequence change replaces glutamic acid, which is acidic and polar, with glycine, which is neutral and non-polar, at codon 2395 of the APC protein (p.Glu2395Gly). This variant is not present in population databases (gnomAD no frequency). This variant has not been reported in the literature in individuals affected with APC-related conditions. ClinVar contains an entry for this variant (Variation ID: 2003896). Invitae Evidence Modeling of protein sequence and biophysical properties (such as structural, functional, and spatial information, amino acid conservation, physicochemical variation, residue mobility, and thermodynamic stability) indicates that this missense variant is not expected to disrupt APC protein function with a negative predictive value of 95%. In summary, the available evidence is currently insufficient to determine the role of this variant in disease. Therefore, it has been classified as a Variant of Uncertain Significance.